The following is an entry in ClinVar:

NM_006005.3(WFS1):c.477C>T (p.Asn159=)

Gene: WFS1 (wolframin ER transmembrane glycoprotein; plus strand). Cytogenetic location: 4p16.1.
Variant type: single nucleotide variant.
Coding change: c.477C>T on transcript NM_006005.3 (MANE Select); coding-DNA position 477, C replaced by T.
Protein change: p.Asn159=; no amino-acid change (asparagine 159 retained).
Molecular consequence: synonymous variant.
Genome position (GRCh38, 1-based): chr4:6,291,213, C>T. VCF-style: chr4-6291213-C-T. GRCh37 (hg19) VCF-style: chr4-6292940-C-T.
Other names: c.477C>T, p.Asn159= (NM_001145853.1).
Identifiers: ClinVar variation 517585 (VCV000517585.21), dbSNP rs753964845, ClinGen allele CA2838918.

ClinVar aggregate classification (germline): Benign/Likely benign. Review status: criteria provided, multiple submitters, no conflicts (2 of 4 stars). 7 submissions from 7 submitters: Benign (1); Likely benign (6). Last evaluated 2026-01-15.

Conditions:
Wolfram syndrome 1 (WFS1). Identifiers: Orphanet 3463, MedGen C4551693, MONDO:0009101, OMIM 222300.
Type 2 diabetes mellitus. Also called: Type II diabetes mellitus. Identifiers: MedGen C0011860, MeSH D003924, MONDO:0005148, OMIM 125853, HP:0005978.
Wolfram-like syndrome. Also called: HEARING LOSS, PROGRESSIVE, WITH OPTIC ATROPHY AND/OR IMPAIRED GLUCOSE REGULATION. Identifiers: Orphanet 411590, MedGen C3280358, MONDO:0013673, OMIM 614296.
Autosomal dominant nonsyndromic hearing loss 6 (LFSNHL). Also called: Autosomal dominant nonsyndromic deafness 6; DEAFNESS, AUTOSOMAL DOMINANT 6; DEAFNESS, AUTOSOMAL DOMINANT 14; DEAFNESS, AUTOSOMAL DOMINANT 38. Identifiers: Orphanet 90635, MedGen C1833021, MONDO:0010963, OMIM 600965.
Cataract 41 (CTRCT41). Also called: CATARACT 41, CONGENITAL NUCLEAR TYPE. Identifiers: Orphanet 91492, Orphanet 98991, Orphanet 98992, Orphanet 98995, MedGen C3805412, MONDO:0007287, OMIM 116400.

Allele frequency attached by ClinVar (database versions not stated): gnomAD 0.00004 and 0.00005; ExAC 0.00005; gnomAD exomes 0.00008 and 0.00009; TOPMed 0.00008.
gnomAD v4.1: 117 of 1,612,548 alleles (0.0073%); highest among the groups gnomAD compares: Admixed American, 0.023%; 1 homozygote.

Submissions (7):

Labcorp Genetics (formerly Invitae), Labcorp
Classification: Likely benign. Last evaluated: 2026-01-15. Review status: criteria provided, single submitter. Criteria: Invitae Variant Classification Sherloc (09022015). Collection method: clinical testing. Allele origin: germline.

CeGaT Center for Human Genetics Tuebingen
Classification: Likely benign. Last evaluated: 2025-12-01. Review status: criteria provided, single submitter. Criteria: CeGaT Center For Human Genetics Tuebingen Variant Classification Criteria Version 2. Collection method: clinical testing. Allele origin: germline. Affected: yes. Observed: 1 variant allele.
Comment: WFS1: BP4, BP7

Blueprint Genetics
Classification: Likely benign. Last evaluated: 2024-06-12. Review status: criteria provided, single submitter. Criteria: ACMG Guidelines, 2015. Collection method: clinical testing. Allele origin: germline.

Fulgent Genetics
Classification: Likely benign for Cataract 41; Type 2 diabetes mellitus; Wolfram syndrome 1; Autosomal dominant nonsyndromic hearing loss 6; Wolfram-like syndrome. Last evaluated: 2021-11-09. Review status: criteria provided, single submitter. Criteria: ACMG Guidelines, 2015. Collection method: clinical testing. Allele origin: unknown.

GeneDx
Classification: Likely benign. Last evaluated: 2021-05-18. Review status: criteria provided, single submitter. Criteria: GeneDx Variant Classification Process June 2021. Collection method: clinical testing. Allele origin: germline. Affected: yes.

Laboratory for Molecular Medicine, Mass General Brigham Personalized Medicine
Classification: Likely benign. Last evaluated: 2017-12-21. Review status: criteria provided, single submitter. Criteria: LMM Criteria. Collection method: clinical testing. Allele origin: germline. Observed: 1 variant allele.
Comment: p.Asn159Asn in exon 5 of WFS1: This variant is not expected to have clinical sig nificance because it does not alter an amino acid residue and is not located wit hin the splice consensus sequence. It has been identified in 0.04% (14/34412) of Latino chromosomes by the Genome Aggregation Database (gnomAD; dbSNP rs753964845). ACMG/AMP criteria applied: BP7.

Clinical Genomics, Uppaluri K&H Personalized Medicine Clinic
Classification: Benign for Wolfram syndrome 1. Review status: criteria provided, single submitter. Criteria: K & H Uppaluri Personalized Medicine Clinic Variant Classification & Assertion Criteria_Updated V.1. Collection method: research. Allele origin: unknown. Inheritance: Autosomal recessive inheritance.
Comment: Potent mutations in WFS1 gene are associated with Wolfram's syndrome, an autosomal recessive condition, which cause diabetes mellitus, diabetes insipidus, deafness and optic atrophy. However no sufficient evidence is found to ascertain the role of this particular variant rs753964845 in Wolfram's syndrome yet.

Literature cited by the submitters: PubMed 20738327 (cited by Clinical Genomics, Uppaluri K&H Personalized Medicine Clinic); PubMed 33879153 (cited by Clinical Genomics, Uppaluri K&H Personalized Medicine Clinic); PubMed 12955714 (cited by Clinical Genomics, Uppaluri K&H Personalized Medicine Clinic); PubMed 18060660 (cited by Clinical Genomics, Uppaluri K&H Personalized Medicine Clinic); PubMed 20301750 (cited by Clinical Genomics, Uppaluri K&H Personalized Medicine Clinic); PubMed 17603484 (cited by Clinical Genomics, Uppaluri K&H Personalized Medicine Clinic).